The following is an entry in ClinVar:

NM_002161.6(IARS1):c.1260G>A (p.Glu420=)

Gene: IARS1 (isoleucyl-tRNA synthetase 1; minus strand). Cytogenetic location: 9q22.31.
Variant type: single nucleotide variant.
Coding change: c.1260G>A on transcript NM_002161.6 (MANE Select); coding-DNA position 1260, G replaced by A.
Protein change: p.Glu420=; no amino-acid change (glutamic acid 420 retained).
Molecular consequence: synonymous variant. On other transcripts: non-coding transcript variant (1).
Genome position (GRCh38, 1-based): chr9:92,269,929, C>T on the plus strand (G>A on the coding strand, the complement: IARS1 is on the minus strand). VCF-style: chr9-92269929-C-T. GRCh37 (hg19) VCF-style: chr9-95032211-C-T.
Other names: c.1260G>A, p.Glu420= (NM_001374299.1, NM_001374300.1, NM_001374301.1 and 1 more transcripts).
Identifiers: ClinVar variation 735524 (VCV000735524.21), dbSNP rs145425352, ClinGen allele CA5122680.

ClinVar aggregate classification (germline): Likely benign. Review status: criteria provided, multiple submitters, no conflicts (2 of 4 stars). 2 submissions from 2 submitters: Likely benign (2). Last evaluated 2026-03-01.

Allele frequency attached by ClinVar (database versions not stated): gnomAD 0.00048; ExAC 0.00050; gnomAD exomes 0.00053 and 0.00085; TOPMed 0.00053; ESP Exome Variant Server 0.00062.
gnomAD v4.1: 1,302 of 1,613,704 alleles (0.081%); highest among the groups gnomAD compares: Non-Finnish European, 0.1%; 1 homozygote.

Submissions (2):

CeGaT Center for Human Genetics Tuebingen
Classification: Likely benign. Last evaluated: 2026-03-01. Review status: criteria provided, single submitter. Criteria: CeGaT Center For Human Genetics Tuebingen Variant Classification Criteria Version 2. Collection method: clinical testing. Allele origin: germline. Affected: yes. Observed: 2 variant alleles.
Comment: IARS1: BP4, BP7

Labcorp Genetics (formerly Invitae), Labcorp
Classification: Likely benign. Last evaluated: 2025-08-15. Review status: criteria provided, single submitter. Criteria: Invitae Variant Classification Sherloc (09022015). Collection method: clinical testing. Allele origin: germline.